The following is an entry in ClinVar:

NM_147127.5(EVC2):c.2917C>T (p.Gln973Ter)

Gene: EVC2 (EvC ciliary complex subunit 2; minus strand). Cytogenetic location: 4p16.2.
Variant type: single nucleotide variant.
Coding change: c.2917C>T on transcript NM_147127.5 (MANE Select); coding-DNA position 2917, C replaced by T.
Protein change: p.Gln973Ter; replaces glutamine 973 with a stop codon.
Molecular consequence: nonsense.
Genome position (GRCh38, 1-based): chr4:5,584,763, G>A on the plus strand (C>T on the coding strand, the complement: EVC2 is on the minus strand). VCF-style: chr4-5584763-G-A. GRCh37 (hg19) VCF-style: chr4-5586490-G-A.
Other names: c.2677C>T, p.Gln893Ter (NM_001166136.2); short protein forms Q893*, Q973*.
Identifiers: ClinVar variation 5012568 (VCV005012568.1).
Genomic context (GRCh38, chr4:5,584,763, plus strand): 5'-CCTGGATGCTGAGGAGGGCGGTGTAGGCCGACAGAGTCTCGGTCACCCGGGACGCCTTCT[G>A]GAACTGCAGAGCAACAAGCGACTGTGCAAAGCCTCCCTCCTGTGCCTCCATCCGCTGCAC-3'

ClinVar aggregate classification (germline): Pathogenic (1 of 4 stars; one submission).

Conditions:
Ellis-van Creveld syndrome (EVC). Also called: MESOECTODERMAL DYSPLASIA; Chondroectodermal dysplasia. Identifiers: Orphanet 289, MedGen C0013903, MONDO:0009162, OMIM 225500.

gnomAD v4.1: 1 of 1,614,164 alleles (0.000062%); highest among the groups gnomAD compares: East Asian, 0.0022%; no homozygotes.

Submission:

Myriad Genetics, Inc.
Classification: Pathogenic for Ellis-van Creveld syndrome. Last evaluated: 2023-12-13. Review status: criteria provided, single submitter. Criteria: Myriad Autosomal Dominant, Autosomal Recessive and X-Linked Classification Criteria (2023). Collection method: clinical testing. Allele origin: unknown.
Comment: NM_147127.4(EVC2):c.2917C>T(Q973*) is expected to be pathogenic in the context of EVC2-related Ellis-van Creveld syndrome. This variant is predicted to lead to an abnormal or absent protein product due to the creation of a premature termination codon in EVC2, a gene where loss-of-function variants are known to be pathogenic. Please note: this variant was assessed in the context of healthy population screening.